The following is an entry in ClinVar:

ClinVar aggregate classification (germline): Uncertain significance (1 of 4 stars; one submission).

Submission:

Labcorp Genetics (formerly Invitae), Labcorp
Classification: Uncertain significance. Last evaluated: 2025-10-24. Review status: criteria provided, single submitter. Criteria: Invitae Variant Classification Sherloc (09022015). Collection method: clinical testing. Allele origin: germline.
Comment: This sequence change replaces threonine, which is neutral and polar, with arginine, which is basic and polar, at codon 350 of the MECOM protein (p.Thr350Arg). This variant is not present in population databases (gnomAD no frequency). This variant has not been reported in the literature in individuals affected with MECOM-related conditions. An algorithm developed to predict the effect of missense changes on protein structure and function (PolyPhen-2) suggests that this variant is likely to be disruptive. In summary, the available evidence is currently insufficient to determine the role of this variant in disease. Therefore, it has been classified as a Variant of Uncertain Significance.

NM_004991.4(MECOM):c.1613C>G (p.Thr538Arg)

Gene: MECOM (MDS1 and EVI1 complex locus; minus strand). Cytogenetic location: 3q26.2.
Variant type: single nucleotide variant.
Coding change: c.1613C>G on transcript NM_004991.4 (MANE Select); coding-DNA position 1613, C replaced by G.
Protein change: p.Thr538Arg; replaces threonine 538 with arginine.
Molecular consequence: missense variant. On other transcripts: intron variant (2).
Genome position (GRCh38, 1-based): chr3:169,116,259, G>C on the plus strand (C>G on the coding strand, the complement: MECOM is on the minus strand). VCF-style: chr3-169116259-G-C. GRCh37 (hg19) VCF-style: chr3-168834047-G-C.
Other names: c.1244C>G, p.Thr415Arg (NM_001105077.4); c.1049C>G, p.Thr350Arg (NM_001105078.4, NM_001164000.2, NM_001205194.2 and 4 more transcripts); c.1052C>G, p.Thr351Arg (NM_001163999.2, NM_001366467.2, NM_001366468.2 and 1 more transcripts); c.1613C>G, p.Thr538Arg (NM_001366466.2); c.1133-492C>G (NM_001366473.2); c.569-492C>G (NM_001366474.2); short protein forms T538R, T351R, T350R, T415R.
Identifiers: ClinVar variation 4729817 (VCV004729817.1).
Genomic context (GRCh38, chr3:169,116,259, plus strand): 5'-TCCACTGGCTTATTGTCCCCTACAGATGGGTGTTTAGATAGTGCCTTCAAAATATCCTGT[G>C]TAGCTGGCAGTATCTGAGGATGTGTCATGAGGGGACTTTGACTTTTGTTTGTCTGTTCAG-3'
Protein context (NP_004982.2, residues 528-548): LMTHPQILPA[Thr538Arg]QDILKALSKH